The following is an entry in ClinVar:

NM_001197104.2(KMT2A):c.10143A>G (p.Ile3381Met)

Gene: KMT2A (lysine methyltransferase 2A; plus strand). Cytogenetic location: 11q23.3.
Variant type: single nucleotide variant.
Coding change: c.10143A>G on transcript NM_001197104.2 (MANE Select); coding-DNA position 10143, A replaced by G.
Protein change: p.Ile3381Met; replaces isoleucine 3381 with methionine.
Molecular consequence: missense variant.
Genome position (GRCh38, 1-based): chr11:118,506,035, A>G. VCF-style: chr11-118506035-A-G. GRCh37 (hg19) VCF-style: chr11-118376750-A-G.
Other names: c.10233A>G, p.Ile3411Met (NM_001412597.1); c.10134A>G, p.Ile3378Met (NM_005933.4); short protein forms I3381M, I3378M, I3411M.
Identifiers: ClinVar variation 2069854 (VCV002069854.4), dbSNP rs2497027310, ClinGen allele CA382822736.

ClinVar aggregate classification (germline): Uncertain significance (1 of 4 stars; one submission).

Submission:

Labcorp Genetics (formerly Invitae), Labcorp
Classification: Uncertain significance. Last evaluated: 2025-04-23. Review status: criteria provided, single submitter. Criteria: Invitae Variant Classification Sherloc (09022015). Collection method: clinical testing. Allele origin: germline.
Comment: This sequence change replaces isoleucine, which is neutral and non-polar, with methionine, which is neutral and non-polar, at codon 3381 of the KMT2A protein (p.Ile3381Met). This variant is not present in population databases (gnomAD no frequency). This variant has not been reported in the literature in individuals affected with KMT2A-related conditions. ClinVar contains an entry for this variant (Variation ID: 2069854). Invitae Evidence Modeling of protein sequence and biophysical properties (such as structural, functional, and spatial information, amino acid conservation, physicochemical variation, residue mobility, and thermodynamic stability) indicates that this missense variant is not expected to disrupt KMT2A protein function with a negative predictive value of 95%. In summary, the available evidence is currently insufficient to determine the role of this variant in disease. Therefore, it has been classified as a Variant of Uncertain Significance.